The following is an entry in ClinVar:

NM_000478.6(ALPL):c.415T>C (p.Cys139Arg)

Gene: ALPL (alkaline phosphatase, biomineralization associated; plus strand). Cytogenetic location: 1p36.12.
Variant type: single nucleotide variant.
Coding change: c.415T>C on transcript NM_000478.6 (MANE Select); coding-DNA position 415, T replaced by C.
Protein change: p.Cys139Arg; replaces cysteine 139 with arginine.
Molecular consequence: missense variant.
Genome position (GRCh38, 1-based): chr1:21,563,227, T>C. VCF-style: chr1-21563227-T-C. GRCh37 (hg19) VCF-style: chr1-21889720-T-C.
Other names: c.250T>C, p.Cys84Arg (NM_001127501.4); c.184T>C, p.Cys62Arg (NM_001177520.3); c.415T>C, p.Cys139Arg (NM_001369803.2, NM_001369804.2, NM_001369805.2); short protein forms C139R, C62R, C84R.
Identifiers: ClinVar variation 1504963 (VCV001504963.6), dbSNP rs1644511163, ClinGen allele CA338877282.
Genomic context (GRCh38, chr1:21,563,227, plus strand): 5'-TGTGGGGTGAAGGCCAATGAGGGCACCGTGGGGGTAAGCGCAGCCACTGAGCGTTCCCGG[T>C]GCAACACCACCCAGGGGAACGAGGTCACCTCCATCCTGCGCTGGGCCAAGGACGCTGGTG-3'
Protein context (NP_000469.3, residues 129-149): GVSAATERSR[Cys139Arg]NTTQGNEVTS

ClinVar aggregate classification (germline): Uncertain significance (1 of 4 stars; one submission).

Submission:

Labcorp Genetics (formerly Invitae), Labcorp
Classification: Uncertain significance. Last evaluated: 2022-03-24. Review status: criteria provided, single submitter. Criteria: Invitae Variant Classification Sherloc (09022015). Collection method: clinical testing. Allele origin: germline.
Comment: In summary, the available evidence is currently insufficient to determine the role of this variant in disease. Therefore, it has been classified as a Variant of Uncertain Significance. Advanced modeling of protein sequence and biophysical properties (such as structural, functional, and spatial information, amino acid conservation, physicochemical variation, residue mobility, and thermodynamic stability) performed at Invitae indicates that this missense variant is expected to disrupt ALPL protein function. This variant has not been reported in the literature in individuals affected with ALPL-related conditions. This variant is not present in population databases (gnomAD no frequency). This sequence change replaces cysteine, which is neutral and slightly polar, with arginine, which is basic and polar, at codon 139 of the ALPL protein (p.Cys139Arg).